The following is an entry in ClinVar:

ClinVar aggregate classification (germline): Uncertain significance. Review status: criteria provided, multiple submitters, no conflicts (2 of 4 stars). 2 submissions from 2 submitters: Uncertain significance (2). Last evaluated 2025-10-29.

Conditions:
Progressive familial heart block type IB (PFHB1B). Identifiers: Orphanet 871, MedGen C1970298, MONDO:0011474, OMIM 604559.

Allele frequency attached by ClinVar (database versions not stated): TOPMed 0.00001; ExAC 0.00003; gnomAD exomes 0.00003.
gnomAD v4.1: 42 of 1,606,276 alleles (0.0026%); highest among the groups gnomAD compares: East Asian, 0.089%; no homozygotes.

Submissions (2):

Labcorp Genetics (formerly Invitae), Labcorp
Classification: Uncertain significance for Progressive familial heart block type IB. Last evaluated: 2025-10-29. Review status: criteria provided, single submitter. Criteria: Invitae Variant Classification Sherloc (09022015). Collection method: clinical testing. Allele origin: germline.
Comment: This sequence change falls in intron 9 of the TRPM4 gene. It does not directly change the encoded amino acid sequence of the TRPM4 protein. It affects a nucleotide within the consensus splice site. This variant is present in population databases (rs762562114, gnomAD 0.04%). This variant has not been reported in the literature in individuals affected with TRPM4-related conditions. ClinVar contains an entry for this variant (Variation ID: 852977). Variants that disrupt the consensus splice site are a relatively common cause of aberrant splicing (PMID: 17576681, 9536098). Algorithms developed to predict the effect of sequence changes on RNA splicing suggest that this variant may create or strengthen a splice site. In summary, the available evidence is currently insufficient to determine the role of this variant in disease. Therefore, it has been classified as a Variant of Uncertain Significance.

Illumina Laboratory Services, Illumina
Classification: Uncertain significance for Progressive familial heart block type IB. Last evaluated: 2018-01-12. Review status: criteria provided, single submitter. Criteria: ICSL Variant Classification Criteria 13 December 2019. Collection method: clinical testing. Allele origin: germline.

Literature cited by the submitters: PubMed 17576681 (cited by Labcorp Genetics (formerly Invitae), Labcorp); PubMed 9536098 (cited by Labcorp Genetics (formerly Invitae), Labcorp).

NM_017636.4(TRPM4):c.1150+6A>G

Gene: TRPM4 (transient receptor potential cation channel subfamily M member 4; plus strand). Cytogenetic location: 19q13.33.
Variant type: single nucleotide variant.
Coding change: c.1150+6A>G on transcript NM_017636.4 (MANE Select); 6 bases into the intron after coding-DNA position 1150, A replaced by G.
Molecular consequence: intron variant.
Genome position (GRCh38, 1-based): chr19:49,172,114, A>G. VCF-style: chr19-49172114-A-G. GRCh37 (hg19) VCF-style: chr19-49675371-A-G.
Other names: c.1150+6A>G (NM_001195227.2); c.-404+6A>G (NM_001321282.2); c.805+6A>G (NM_001321281.2); c.628+6A>G (NM_001321283.2); c.201+345A>G (NM_001321285.2).
Identifiers: ClinVar variation 852977 (VCV000852977.13), dbSNP rs762562114, ClinGen allele CA9569090.